The following is an entry in ClinVar:

NM_201384.3(PLEC):c.8743G>A (p.Gly2915Ser)

Gene: PLEC (plectin; minus strand). Cytogenetic location: 8q24.3.
Variant type: single nucleotide variant.
Coding change: c.8743G>A on transcript NM_201384.3 (MANE Select); coding-DNA position 8743, G replaced by A.
Protein change: p.Gly2915Ser; replaces glycine 2915 with serine.
Molecular consequence: missense variant.
Genome position (GRCh38, 1-based): chr8:143,921,078, C>T on the plus strand (G>A on the coding strand, the complement: PLEC is on the minus strand). VCF-style: chr8-143921078-C-T. GRCh37 (hg19) VCF-style: chr8-144995246-C-T.
Other names: c.8824G>A, p.Gly2942Ser (NM_000445.5); c.8701G>A, p.Gly2901Ser (NM_201378.4); c.8677G>A, p.Gly2893Ser (NM_201379.3); c.9154G>A, p.Gly3052Ser (NM_201380.4); c.8647G>A, p.Gly2883Ser (NM_201381.3); c.8743G>A, p.Gly2915Ser (NM_201382.4); c.8755G>A, p.Gly2919Ser (NM_201383.3); c.8824G>A (NM_000445.3); short protein forms G2893S, G2915S, G2919S, G3052S, G2883S, G2901S, G2942S.
Identifiers: ClinVar variation 1441884 (VCV001441884.9), dbSNP rs782631758, ClinGen allele CA4925199.

ClinVar aggregate classification (germline): Uncertain significance. Review status: criteria provided, multiple submitters, no conflicts (2 of 4 stars). 2 submissions from 2 submitters: Uncertain significance (2). Last evaluated 2025-08-06.

Conditions:
Epidermolysis bullosa simplex 5B, with muscular dystrophy (EBS5B). Also called: EPIDERMOLYSIS BULLOSA SIMPLEX AND LIMB-GIRDLE MUSCULAR DYSTROPHY; Epidermolysis bullosa simplex with muscular dystrophy. Identifiers: Orphanet 257, MedGen C2931072, MONDO:0009181, OMIM 226670.
Epidermolysis bullosa simplex 5C, with pyloric atresia (EBS5C). Also called: Epidermolysis bullosa simplex with pyloric atresia; PLEC-Related Epidermolysis Bullosa with Pyloric Atresia; PLEC1-Related Epidermolysis Bullosa with Pyloric Atresia. Identifiers: Orphanet 158684, MedGen C2677349, MONDO:0012807, OMIM 612138.
Autosomal recessive limb-girdle muscular dystrophy type 2Q (LGMDR17). Also called: MUSCULAR DYSTROPHY, LIMB-GIRDLE, AUTOSOMAL RECESSIVE 17. Identifiers: Orphanet 254361, MedGen C3150989, MONDO:0013390, OMIM 613723.
Epidermolysis bullosa simplex with nail dystrophy (EBS5D). Identifiers: MedGen C4225309, MONDO:0014661, OMIM 616487.
Epidermolysis bullosa simplex, Ogna type (EBS5A). Also called: Pidermolysis bullosa simplex 5A, Ogna type; EPIDERMOLYSIS BULLOSA SIMPLEX 5A, OGNA TYPE. Identifiers: Orphanet 79401, MedGen C0432317, MONDO:0007555, OMIM 131950.
Inborn genetic diseases. Identifiers: MedGen C0950123, MeSH D030342.

Allele frequency attached by ClinVar (database versions not stated): gnomAD exomes 0.00001 and 0.00002; TOPMed 0.00001; ExAC 0.00002; gnomAD 0.00002.
gnomAD v4.1: 18 of 1,611,764 alleles (0.0011%); highest among the groups gnomAD compares: South Asian, 0.0088%; no homozygotes.

Submissions (2):

Labcorp Genetics (formerly Invitae), Labcorp
Classification: Uncertain significance for Autosomal recessive limb-girdle muscular dystrophy type 2Q; Epidermolysis bullosa simplex, Ogna type; Epidermolysis bullosa simplex with nail dystrophy; Epidermolysis bullosa simplex 5C, with pyloric atresia; Epidermolysis bullosa simplex 5B, with muscular dystrophy. Last evaluated: 2025-08-06. Review status: criteria provided, single submitter. Criteria: Invitae Variant Classification Sherloc (09022015). Collection method: clinical testing. Allele origin: germline.
Comment: This sequence change replaces glycine, which is neutral and non-polar, with serine, which is neutral and polar, at codon 2942 of the PLEC protein (p.Gly2942Ser). This variant is present in population databases (rs782631758, gnomAD 0.006%). This variant has not been reported in the literature in individuals affected with PLEC-related conditions. ClinVar contains an entry for this variant (Variation ID: 1441884). An algorithm developed to predict the effect of missense changes on protein structure and function (PolyPhen-2) suggests that this variant is likely to be disruptive. In summary, the available evidence is currently insufficient to determine the role of this variant in disease. Therefore, it has been classified as a Variant of Uncertain Significance.

Ambry Genetics
Classification: Uncertain significance for Inborn genetic diseases. Last evaluated: 2023-10-17. Review status: criteria provided, single submitter. Criteria: Ambry Variant Classification Scheme 2023. Collection method: clinical testing. Allele origin: germline.